The following is an entry in ClinVar:

NC_000009.11:g.(332479_334224)_(422136_426884)del

Gene: DOCK8 (dedicator of cytokinesis 8; plus strand). Cytogenetic location: 9p24.3.
Variant type: Deletion.
Identifiers: ClinVar variation 2682525 (VCV002682525.1).

ClinVar aggregate classification (germline): Pathogenic (1 of 4 stars; one submission).

Conditions:
Combined immunodeficiency due to DOCK8 deficiency (HIES2). Also called: HIES autosomal recessive; HYPER-IgE RECURRENT INFECTION SYNDROME 2, AUTOSOMAL RECESSIVE; Hyper-IgE recurrent infection syndrome, autosomal recessive; HYPER-IgE SYNDROME 2, AUTOSOMAL RECESSIVE, WITH RECURRENT INFECTIONS; DOCK8 Deficiency. Identifiers: Orphanet 217390, MedGen C4722305, MONDO:0009478, OMIM 243700.

Submission:

Women's Health and Genetics/Laboratory Corporation of America, LabCorp
Classification: Pathogenic for Combined immunodeficiency due to DOCK8 deficiency. Last evaluated: 2023-11-14. Review status: criteria provided, single submitter. Criteria: LabCorp Variant Classification Summary - May 2015. Collection method: clinical testing. Allele origin: germline.
Comment: Variant summary: The variant involves the deletion of exons 11-33 in the DOCK8 gene. A presumed nomenclature of c.(1125+1_1126-1)_(4241+1_4242-1)del has been designated for the purposes of this classification. This Copy Number Variant (CNV) is expected to alter the reading frame and predicted to result in a truncation or absence of the encoded protein due to nonsense mediated decay (NMD). The variant allele was found at a frequency of 4.6e-05 in 21612 control chromosomes (gnomAD, structrual variants dataset). To our knowledge, c.(1125+1_1126-1)_(4241+1_4242-1)del has not been reported in the literature in individuals affected with Combined Immunodeficiency Due To DOCK8 Deficiency. The following publication has been ascertained in the context of this evaluation (PMID: 26659092). No submitters have cited clinical-significance assessments for this variant to ClinVar after 2014. Based on the evidence outlined above, the variant was classified as pathogenic.

Literature cited by the submitters: PubMed 26659092.